The following is an entry in ClinVar:

ClinVar aggregate classification (germline): Uncertain significance. Review status: criteria provided, multiple submitters, no conflicts (2 of 4 stars). 5 submissions from 5 submitters: Uncertain significance (4). 1 of the submissions does not count toward it. Last evaluated 2025-06-17.

Conditions:
CFTR-related disorder (CFTR-RD). Also called: CFTR-related disorders; CFTR-related condition. Identifiers: MedGen C5924204, MONDO:7770004.
Cystic fibrosis (CF). Also called: MUCOVISCIDOSIS. Identifiers: Orphanet 586, MedGen C0010674, MONDO:0009061, OMIM 219700. Disease mechanism: loss of function.
Bronchiectasis with or without elevated sweat chloride 1 (BESC1). Also called: Cystic Fibrosis-Like Syndrome. Identifiers: Orphanet 60033, MedGen C2749757, MONDO:0008887, OMIM 211400.
Congenital bilateral aplasia of vas deferens from CFTR mutation (CBAVD). Identifiers: Orphanet 48, MedGen C0403814, MONDO:0010178, OMIM 277180. Disease mechanism: loss of function.
Hereditary pancreatitis (PCTT). Also called: PRSS1-Related Hereditary Pancreatitis; Hereditary chronic pancreatitis. Identifiers: Orphanet 676, MedGen C0238339, MONDO:0008185, OMIM 167800.

Allele frequency attached by ClinVar (database versions not stated): gnomAD exomes below 0.00001; TOPMed below 0.00001.
gnomAD v4.1: 3 of 1,595,766 alleles (0.00019%); highest among the groups gnomAD compares: Admixed American, 0.0033%; no homozygotes.

Submissions (5):

Ambry Genetics
Classification: Uncertain significance for Cystic fibrosis. Last evaluated: 2025-06-17. Review status: criteria provided, single submitter. Criteria: Ambry Variant Classification Scheme 2023. Collection method: clinical testing. Allele origin: germline.

Genome-Nilou Lab
Classification: Uncertain significance for Cystic fibrosis. Last evaluated: 2021-09-05. Review status: criteria provided, single submitter. Criteria: ACMG Guidelines, 2015. Collection method: clinical testing. Allele origin: germline. Affected: no.

Fulgent Genetics
Classification: Uncertain significance for Hereditary pancreatitis; Bronchiectasis with or without elevated sweat chloride 1; Cystic fibrosis; Congenital bilateral aplasia of vas deferens from CFTR mutation. Last evaluated: 2018-10-31. Review status: criteria provided, single submitter. Criteria: ACMG Guidelines, 2015. Collection method: clinical testing. Allele origin: unknown.

Women's Health and Genetics/Laboratory Corporation of America, LabCorp
Classification: Uncertain significance. Last evaluated: 2017-01-20. Review status: criteria provided, single submitter. Criteria: LabCorp Variant Classification Summary - May 2015. Collection method: clinical testing. Allele origin: germline.
Comment: Variant summary: The CFTR c.1187A>C (p.Asn396Thr) variant causes a missense change involving a conserved nucleotide, which 4/5 in silico tools predict a damaging outcome, although these predictions have yet to be functionally assessed. The variant of interest was not observed in controls (ExAC, 1000 Gs, or ESP), nor has it been, to our knowledge, reported in affected individuals via publications and/or databases/clinical diagnostic laboratories. Therefore, until additional information (ie, clinical and functional studies) become available, the variant of interest has been classified as a "Variant of Uncertain Significance."

Natera, Inc.
Classification: Uncertain significance for CFTR-related disorders. Last evaluated: 2018-07-25. Review status: no assertion criteria provided. Collection method: clinical testing. Allele origin: germline. Not counted in ClinVar's aggregate classification.

NM_000492.4(CFTR):c.1187A>C (p.Asn396Thr)

Gene: CFTR (CF transmembrane conductance regulator; plus strand). Cytogenetic location: 7q31.2.
Variant type: single nucleotide variant.
Coding change: c.1187A>C on transcript NM_000492.4 (MANE Select); coding-DNA position 1187, A replaced by C.
Protein change: p.Asn396Thr; replaces asparagine 396 with threonine.
Molecular consequence: missense variant.
Genome position (GRCh38, 1-based): chr7:117,542,086, A>C. VCF-style: chr7-117542086-A-C. GRCh37 (hg19) VCF-style: chr7-117182140-A-C.
Other names: short protein forms N396T.
Identifiers: ClinVar variation 495888 (VCV000495888.6), dbSNP rs1396443734, ClinGen allele CA368980185.